The following is an entry in ClinVar:

ClinVar aggregate classification (germline): Conflicting classifications of pathogenicity. Review status: criteria provided, conflicting classifications (1 of 4 stars). 3 submissions from 3 submitters: Uncertain significance (1); Likely benign (1). 1 of the submissions does not count toward it. Last evaluated 2026-07-30.

Conditions:
Hereditary cancer-predisposing syndrome. Also called: Neoplastic Syndromes, Hereditary; Hereditary neoplastic syndrome; Hereditary Cancer Syndrome; Tumor predisposition. Identifiers: Orphanet 140162, MedGen C0027672, MeSH D009386, MONDO:0015356.
Malignant tumor of breast. Also called: Malignant breast neoplasm; Cancer breast. Identifiers: MedGen C0006142, MONDO:0007254. Disease mechanism: loss of function.

Submissions (3):

Ambry Genetics
Classification: Uncertain significance for Hereditary cancer-predisposing syndrome. Last evaluated: 2026-07-30. Review status: criteria provided, single submitter. Criteria: Ambry Variant Classification Scheme 2023. Collection method: clinical testing. Allele origin: germline.
Comment: The p.G2168A variant (also known as c.6503G>C), located in coding exon 10 of the BRCA2 gene, results from a G to C substitution at nucleotide position 6503. The glycine at codon 2168 is replaced by alanine, an amino acid with similar properties. This amino acid position is not well conserved in available vertebrate species. In addition, the in silico prediction for this alteration is inconclusive. Based on the available evidence, the clinical significance of this variant remains unclear.

University of Washington Department of Laboratory Medicine, University of Washington
Classification: Likely benign for Hereditary cancer-predisposing syndrome. Last evaluated: 2023-03-23. Review status: criteria provided, single submitter. Criteria: Dines et al. (Genet Med. 2020). Collection method: curation. Allele origin: germline.
Comment: Missense variant in a coldspot region where missense variants are very unlikely to be pathogenic (PMID:31911673).

BRCA2 exon 11 coldspot. Reclassification based on statistical prior probability.

Department of Pathology and Laboratory Medicine, Sinai Health System
Classification: Uncertain significance for Malignant tumor of breast. Review status: no assertion criteria provided. Collection method: clinical testing. Allele origin: unknown. Affected: yes. Observed: 1 variant allele. Study: The Canadian Open Genetics Repository (COGR). Not counted in ClinVar's aggregate classification.
Comment: The p.Gly2168Ala variant was not identified in the literature, nor was it identified in the dbSNP, NHLBI Exome Sequencing Project (Exome Variant Server), Exome Aggregation Consortium (ExAC), LOVD, COSMIC, ClinVar, GeneInsight COGR, BIC or UMD. The p.Gly2168 residue is not conserved in mammals and four out of five computational analyses (PolyPhen-2, SIFT, AlignGVGD, BLOSUM, MutationTaster) do not suggest a high likelihood of impact to the protein. However, this information is not predictive enough to rule out pathogenicity. The variant occurs outside of the splicing consensus sequence and in silico or computational prediction software programs (SpliceSiteFinder, MaxEntScan, NNSPLICE, GeneSplicer, HumanSpliceFinder) do not predict a difference in splicing. The identification of this variant in the presence of a co-occurring pathogenic variant in this individual increases the likelihood this variant does not have clinical significance. In summary, based on the above information, the clinical significance of this variant cannot be determined with certainty at this time. This variant is classified as a variant of unknown significance.

NM_000059.4(BRCA2):c.6503G>C (p.Gly2168Ala)

Gene: BRCA2 (BRCA2 DNA repair associated; plus strand). Cytogenetic location: 13q13.1.
Variant type: single nucleotide variant.
Coding change: c.6503G>C on transcript NM_000059.4 (MANE Select); coding-DNA position 6503, G replaced by C.
Protein change: p.Gly2168Ala; replaces glycine 2168 with alanine.
Molecular consequence: missense variant.
Genome position (GRCh38, 1-based): chr13:32,340,858, G>C. VCF-style: chr13-32340858-G-C. GRCh37 (hg19) VCF-style: chr13-32914995-G-C.
Other names: short protein forms G2168A.
Identifiers: ClinVar variation 433806 (VCV000433806.6), dbSNP rs397507372, ClinGen allele CA387789550.
Genomic context (GRCh38, chr13:32,340,858, plus strand): 5'-CTATTAAAGTTTCTCCATATCTCTCTCAATTTCAACAAGACAAACAACAGTTGGTATTAG[G>C]AACCAAAGTGTCACTTGTTGAGAACATTCATGTTTTGGGAAAAGAACAGGCTTCACCTAA-3'
Protein context (NP_000050.3, residues 2158-2178): FQQDKQQLVL[Gly2168Ala]TKVSLVENIH